The following is an entry in ClinVar:

ClinVar aggregate classification (germline): Likely pathogenic. Review status: criteria provided, multiple submitters, no conflicts (2 of 4 stars). 2 submissions from 2 submitters: Likely pathogenic (2). Last evaluated 2024-07-11.

Conditions:
Cardiovascular phenotype. Identifiers: MedGen CN230736.
Autosomal recessive limb-girdle muscular dystrophy type 2J (LGMDR10). Also called: Limb-girdle muscular dystrophy, type 2J; MUSCULAR DYSTROPHY, LIMB-GIRDLE, AUTOSOMAL RECESSIVE 10. Identifiers: Orphanet 140922, MedGen C1837342, MONDO:0012127, OMIM 608807.
Dilated cardiomyopathy 1G (CMD1G). Identifiers: Orphanet 154, MedGen C1858763, MONDO:0011400, OMIM 604145.

Submissions (2):

Labcorp Genetics (formerly Invitae), Labcorp
Classification: Likely pathogenic for Dilated cardiomyopathy 1G; Autosomal recessive limb-girdle muscular dystrophy type 2J. Last evaluated: 2024-07-11. Review status: criteria provided, single submitter. Criteria: Invitae Variant Classification Sherloc (09022015). Collection method: clinical testing. Allele origin: germline.
Comment: This sequence change creates a premature translational stop signal (p.Lys33205*) in the TTN gene. While this is not anticipated to result in nonsense mediated decay, it is expected to create a truncated TTN protein. This variant is not present in population databases (gnomAD no frequency). This variant has not been reported in the literature in individuals affected with TTN-related conditions. This variant is located in the A band of TTN (PMID: 25589632). Truncating variants in this region are significantly overrepresented in patients affected with dilated cardiomyopathy (PMID: 25589632). Truncating variants in this region have also been reported in individuals affected with autosomal recessive centronuclear myopathy (PMID: 23975875). In summary, the currently available evidence indicates that the variant is pathogenic, but additional data are needed to prove that conclusively. Therefore, this variant has been classified as Likely Pathogenic.

Ambry Genetics
Classification: Likely pathogenic for Cardiovascular phenotype. Last evaluated: 2023-11-30. Review status: criteria provided, single submitter. Criteria: Ambry Variant Classification Scheme 2023. Collection method: clinical testing. Allele origin: germline.
Comment: The p.K24140* variant (also known as c.72418A>T), located in coding exon 182 of the TTN gene, results from an A to T substitution at nucleotide position 72418. This changes the amino acid from a lysine to a stop codon within coding exon 182. This exon is located in the A-band region of the N2-B isoform of the titin protein and is constitutively expressed in TTN transcripts (percent spliced in or PSI 100%). This variant is considered to be rare based on population cohorts in the Genome Aggregation Database (gnomAD). This alteration is expected to result in loss of function by premature protein truncation or nonsense-mediated mRNA decay. While truncating variants in TTN are present in 1-3% of the general population, truncating variants in the A-band are the most common cause of dilated cardiomyopathy (DCM) (Herman DS et al. N. Engl. J. Med., 2012 Feb;366:619-28; Roberts AM et al. Sci Transl Med, 2015 Jan;7:270ra6). TTN truncating variants encoded in constitutive exons (PSI >90%) have been found to be significantly associated with DCM regardless of their position in titin (Schafer S et al. Nat. Genet., 2017 01;49:46-53). Based on the majority of available evidence to date, this variant is likely to be pathogenic.

Literature cited by the submitters: PubMed 25589632 (cited by Labcorp Genetics (formerly Invitae), Labcorp); PubMed 23975875 (cited by Labcorp Genetics (formerly Invitae), Labcorp).

NM_001267550.2(TTN):c.99613A>T (p.Lys33205Ter)

Genes: TTN (titin; minus strand), TTN-AS1 (TTN antisense RNA 1; plus strand). Cytogenetic location: 2q31.2.
Variant type: single nucleotide variant.
Coding change: c.99613A>T on transcript NM_001267550.2 (MANE Select); coding-DNA position 99613, A replaced by T.
Protein change: p.Lys33205Ter; replaces lysine 33205 with a stop codon.
Molecular consequence: nonsense. On other transcripts: non-coding transcript variant (1).
Genome position (GRCh38, 1-based): chr2:178,537,594, T>A on the plus strand (A>T on the coding strand, the complement: TTN is on the minus strand). VCF-style: chr2-178537594-T-A. GRCh37 (hg19) VCF-style: chr2-179402321-T-A.
Other names: c.94690A>T, p.Lys31564Ter (NM_001256850.1); c.72418A>T, p.Lys24140Ter (NM_003319.4); c.91909A>T, p.Lys30637Ter (NM_133378.4); c.72793A>T, p.Lys24265Ter (NM_133432.3); c.72994A>T, p.Lys24332Ter (NM_133437.4); short protein forms K24140*, K24265*, K24332*, K30637*, K31564*, K33205*.
Identifiers: ClinVar variation 3223346 (VCV003223346.3), dbSNP rs2468677363, ClinGen allele CA349427838.